The following is an entry in ClinVar:

ClinVar aggregate classification (germline): Uncertain significance (1 of 4 stars; one submission).

Conditions:
DICER1-related tumor predisposition. Also called: DICER1-related pleuropulmonary blastoma cancer predisposition syndrome; DICER1 syndrome. Identifiers: Orphanet 284343, MedGen C3839822, MONDO:0100216.

Submission:

Labcorp Genetics (formerly Invitae), Labcorp
Classification: Uncertain significance for DICER1-related tumor predisposition. Last evaluated: 2026-01-13. Review status: criteria provided, single submitter. Criteria: Invitae Variant Classification Sherloc (09022015). Collection method: clinical testing. Allele origin: germline.
Comment: This variant, c.1267_1269dup, results in the insertion of 1 amino acid(s) of the DICER1 protein (p.Glu423dup), but otherwise preserves the integrity of the reading frame. This variant is not present in population databases (gnomAD no frequency). This variant has not been reported in the literature in individuals affected with DICER1-related conditions. In summary, the available evidence is currently insufficient to determine the role of this variant in disease. Therefore, it has been classified as a Variant of Uncertain Significance.

NM_177438.3(DICER1):c.1264GAA[3] (p.Glu423_Ile424insGlu)

Gene: DICER1 (dicer 1, ribonuclease III; minus strand). Cytogenetic location: 14q32.13.
Variant type: Microsatellite.
Coding change: c.1264GAA[3] on transcript NM_177438.3 (MANE Select); three copies in a row of the 3-base unit GAA starting at c.1264; the reference has two copies in a row; one copy, 3 bases duplicated.
Protein change: p.Glu423_Ile424insGlu.
Molecular consequence: inframe insertion. On other transcripts: 5 prime UTR variant (1), non-coding transcript variant (6).
Genome position (GRCh38, 1-based): chr14:95,124,303-95,124,305, TTC duplicated on the plus strand (GAA on the coding strand, the reverse complement: DICER1 is on the minus strand); duplicating any 3 consecutive bases within chr14:95,124,303-95,124,308 gives the same sequence; the position shown is the placement nearest the transcript's 3' end. VCF-style (leftmost placement, unchanged base first): chr14-95124302-T-TTTC. GRCh37 (hg19) VCF-style: chr14-95590639-T-TTTC.
Other names: c.1264GAA[3], p.Glu423_Ile424insGlu (NM_001195573.1, NM_001271282.3, NM_001291628.2 and 14 more transcripts); c.982GAA[3], p.Glu329_Ile330insGlu (NM_001395686.1); c.859GAA[3], p.Glu288_Ile289insGlu (NM_001395687.1, NM_001395688.1, NM_001395689.1 and 3 more transcripts); c.697GAA[3], p.Glu234_Ile235insGlu (NM_001395691.1); c.-305GAA[3] (NM_001395697.1).
Identifiers: ClinVar variation 4735288 (VCV004735288.1).
Genomic context (GRCh38, chr14:95,124,302, plus strand): 5'-CGCACAAAATGTTGGTAAAAGGAGAAGGAAAATTTGTCTCTGGCTTCTCTTTTTCTTCAA[T>TTTC]TTCTTCATCCTCATCATCATCCTCAGAATCACTCCATGACACATAATTATCCTGATTTCT-3'